The following is an entry in ClinVar:

NM_001148.6(ANK2):c.4275C>G (p.Cys1425Trp)

Gene: ANK2 (ankyrin 2; plus strand). Cytogenetic location: 4q26.
Variant type: single nucleotide variant.
Coding change: c.4275C>G on transcript NM_001148.6 (MANE Select); coding-DNA position 4275, C replaced by G.
Protein change: p.Cys1425Trp; replaces cysteine 1425 with tryptophan.
Molecular consequence: missense variant.
Genome position (GRCh38, 1-based): chr4:113,345,926, C>G. VCF-style: chr4-113345926-C-G. GRCh37 (hg19) VCF-style: chr4-114267082-C-G.
Other names: c.4248C>G, p.Cys1416Trp (NM_001127493.3); c.4287C>G, p.Cys1429Trp (NM_001354225.2); c.4176C>G, p.Cys1392Trp (NM_001354228.2, NM_001354258.2); c.4254C>G, p.Cys1418Trp (NM_001354230.2); c.4317C>G, p.Cys1439Trp (NM_001354231.2, NM_001354242.2); c.4311C>G, p.Cys1437Trp (NM_001354232.2); c.4272C>G, p.Cys1424Trp (NM_001354235.2, NM_001354246.2, NM_001354265.2); c.4173C>G, p.Cys1391Trp (NM_001354236.2); and 31 more; short protein forms C1330W, C1350W, C1358W, C1363W, C1404W, C1420W, C1424W, C1472W.
Identifiers: ClinVar variation 3664660 (VCV003664660.3).

ClinVar aggregate classification (germline): Uncertain significance. Review status: criteria provided, multiple submitters, no conflicts (2 of 4 stars). 2 submissions from 2 submitters: Uncertain significance (2). Last evaluated 2025-01-01.

Conditions:
Long QT syndrome (LQTS). Identifiers: MedGen C0023976, MeSH D008133, MONDO:0002442. Disease mechanism: loss of function. Inheritance: Various modes of inheritance.

Submissions (2):

Labcorp Genetics (formerly Invitae), Labcorp
Classification: Uncertain significance for Long QT syndrome. Last evaluated: 2025-01-01. Review status: criteria provided, single submitter. Criteria: Invitae Variant Classification Sherloc (09022015). Collection method: clinical testing. Allele origin: germline.
Comment: This sequence change replaces cysteine, which is neutral and slightly polar, with tryptophan, which is neutral and slightly polar, at codon 1425 of the ANK2 protein (p.Cys1425Trp). This variant is not present in population databases (gnomAD no frequency). This variant has not been reported in the literature in individuals affected with ANK2-related conditions. Invitae Evidence Modeling of protein sequence and biophysical properties (such as structural, functional, and spatial information, amino acid conservation, physicochemical variation, residue mobility, and thermodynamic stability) indicates that this missense variant is expected to disrupt ANK2 protein function with a positive predictive value of 80%. In summary, the available evidence is currently insufficient to determine the role of this variant in disease. Therefore, it has been classified as a Variant of Uncertain Significance.

Blueprint Genetics
Classification: Uncertain significance. Last evaluated: 2024-02-28. Review status: criteria provided, single submitter. Criteria: ACMG Guidelines, 2015. Collection method: clinical testing. Allele origin: germline.